The following is an entry in ClinVar:

NM_018010.4(IFT57):c.1099A>C (p.Met367Leu)

Gene: IFT57 (intraflagellar transport 57; minus strand). Cytogenetic location: 3q13.12.
Variant type: single nucleotide variant.
Coding change: c.1099A>C on transcript NM_018010.4 (MANE Select); coding-DNA position 1099, A replaced by C.
Protein change: p.Met367Leu; replaces methionine 367 with leucine.
Molecular consequence: missense variant.
Genome position (GRCh38, 1-based): chr3:108,163,675, T>G on the plus strand (A>C on the coding strand, the complement: IFT57 is on the minus strand). VCF-style: chr3-108163675-T-G. GRCh37 (hg19) VCF-style: chr3-107882522-T-G.
Other names: short protein forms M367L.
Identifiers: ClinVar variation 2905006 (VCV002905006.3), dbSNP rs750303918, ClinGen allele CA2526470.

ClinVar aggregate classification (germline): Uncertain significance (1 of 4 stars; one submission).

Allele frequency attached by ClinVar (database versions not stated): ExAC 0.00001; TOPMed 0.00002.
gnomAD v4.1: 42 of 1,610,810 alleles (0.0026%); highest among the groups gnomAD compares: Non-Finnish European, 0.0035%; no homozygotes.

Submission:

Labcorp Genetics (formerly Invitae), Labcorp
Classification: Uncertain significance. Last evaluated: 2023-11-19. Review status: criteria provided, single submitter. Criteria: Invitae Variant Classification Sherloc (09022015). Collection method: clinical testing. Allele origin: germline.
Comment: This sequence change replaces methionine, which is neutral and non-polar, with leucine, which is neutral and non-polar, at codon 367 of the IFT57 protein (p.Met367Leu). This variant is present in population databases (rs750303918, gnomAD 0.003%). This variant has not been reported in the literature in individuals affected with IFT57-related conditions. An algorithm developed to predict the effect of missense changes on protein structure and function (PolyPhen-2) suggests that this variant is likely to be disruptive. In summary, the available evidence is currently insufficient to determine the role of this variant in disease. Therefore, it has been classified as a Variant of Uncertain Significance.